The following is an entry in ClinVar:

NM_000363.5(TNNI3):c.509G>C (p.Arg170Pro)

Gene: TNNI3 (troponin I3, cardiac type; minus strand). Cytogenetic location: 19q13.42.
Variant type: single nucleotide variant.
Coding change: c.509G>C on transcript NM_000363.5 (MANE Select); coding-DNA position 509, G replaced by C.
Protein change: p.Arg170Pro; replaces arginine 170 with proline.
Molecular consequence: missense variant.
Genome position (GRCh38, 1-based): chr19:55,154,070, C>G on the plus strand (G>C on the coding strand, the complement: TNNI3 is on the minus strand). VCF-style: chr19-55154070-C-G. GRCh37 (hg19) VCF-style: chr19-55665438-C-G.
Other names: short protein forms R170P.
Identifiers: ClinVar variation 1994254 (VCV001994254.4), dbSNP rs727503503, ClinGen allele CA407440303.

ClinVar aggregate classification (germline): Pathogenic (1 of 4 stars; one submission).

Conditions:
Hypertrophic cardiomyopathy. Also called: HYPERTROPHIC MYOCARDIOPATHY. Identifiers: Orphanet 217569, MedGen C0007194, MeSH D002312, MONDO:0005045, HP:0001639.

Submission:

Labcorp Genetics (formerly Invitae), Labcorp
Classification: Pathogenic for Hypertrophic cardiomyopathy. Last evaluated: 2024-08-29. Review status: criteria provided, single submitter. Criteria: Invitae Variant Classification Sherloc (09022015). Collection method: clinical testing. Allele origin: germline.
Comment: This sequence change replaces arginine, which is basic and polar, with proline, which is neutral and non-polar, at codon 170 of the TNNI3 protein (p.Arg170Pro). This variant is not present in population databases (gnomAD no frequency). This missense change has been observed in individual(s) with restrictive cardiomyopathy (Inivtae, internal data). In at least one individual the variant was observed to be de novo. ClinVar contains an entry for this variant (Variation ID: 1994254). An algorithm developed to predict the effect of missense changes on protein structure and function (PolyPhen-2) suggests that this variant is likely to be disruptive. This variant disrupts the p.Arg170 amino acid residue in TNNI3. Other variant(s) that disrupt this residue have been determined to be pathogenic (PMID: 20031618, 25940119, 27532257). This suggests that this residue is clinically significant, and that variants that disrupt this residue are likely to be disease-causing. For these reasons, this variant has been classified as Pathogenic.

Literature cited by the submitters: PubMed 20031618; PubMed 25940119; PubMed 27532257.